The following is an entry in ClinVar:

NM_030962.4(SBF2):c.2287dup (p.Thr763fs)

Genes: SBF2 (SET binding factor 2; minus strand), LOC101928008 (uncharacterized LOC101928008; plus strand). Cytogenetic location: 11p15.4.
Variant type: Duplication.
Coding change: c.2287dup on transcript NM_030962.4 (MANE Select); coding-DNA position 2287, one base duplicated (A; older notation c.2287dupA).
Protein change: p.Thr763fs; shifts the reading frame from threonine 763.
Molecular consequence: frameshift variant.
Genome position (GRCh38, 1-based): chr11:9,856,534, T duplicated on the plus strand (A on the coding strand, the reverse complement: SBF2 is on the minus strand). VCF-style (leftmost placement, unchanged base first): chr11-9856533-G-GT. GRCh37 (hg19) VCF-style: chr11-9878080-G-GT.
Other names: c.2287dup, p.Thr763fs (NM_001386339.1); c.2158dup, p.Thr720fs (NM_001386342.1); short protein forms T720fs, T763fs.
Identifiers: ClinVar variation 2124663 (VCV002124663.4), dbSNP rs2494902317, ClinGen allele CA2580085044.

ClinVar aggregate classification (germline): Pathogenic (1 of 4 stars; one submission).

Conditions:
Charcot-Marie-Tooth disease type 4. Also called: Charcot-Marie-Tooth disease, type IV; Charcot-Marie-Tooth, Type 4. Identifiers: Orphanet 64749, MedGen C4082197, MONDO:0018995.

Allele frequency attached by ClinVar (database versions not stated): gnomAD exomes below 0.00001.

Submission:

Labcorp Genetics (formerly Invitae), Labcorp
Classification: Pathogenic for Charcot-Marie-Tooth disease type 4. Last evaluated: 2022-04-11. Review status: criteria provided, single submitter. Criteria: Invitae Variant Classification Sherloc (09022015). Collection method: clinical testing. Allele origin: germline.
Comment: For these reasons, this variant has been classified as Pathogenic. This variant has not been reported in the literature in individuals affected with SBF2-related conditions. This variant is not present in population databases (gnomAD no frequency). This sequence change creates a premature translational stop signal (p.Thr763Asnfs*3) in the SBF2 gene. It is expected to result in an absent or disrupted protein product. Loss-of-function variants in SBF2 are known to be pathogenic (PMID: 12687498, 25873783).

Literature cited by the submitters: PubMed 12687498; PubMed 25873783.